The following is an entry in ClinVar:

NM_001933.5(DLST):c.1343T>C (p.Val448Ala)

Gene: DLST (dihydrolipoamide S-succinyltransferase; plus strand). Cytogenetic location: 14q24.3.
Variant type: single nucleotide variant.
Coding change: c.1343T>C on transcript NM_001933.5 (MANE Select); coding-DNA position 1343, T replaced by C.
Protein change: p.Val448Ala; replaces valine 448 with alanine.
Molecular consequence: missense variant. On other transcripts: non-coding transcript variant (2).
Genome position (GRCh38, 1-based): chr14:74,902,311, T>C. VCF-style: chr14-74902311-T-C. GRCh37 (hg19) VCF-style: chr14-75369014-T-C.
Other names: short protein forms V448A.
Identifiers: ClinVar variation 2204102 (VCV002204102.4), dbSNP rs201182143, ClinGen allele CA7273796.

ClinVar aggregate classification (germline): Uncertain significance. Review status: criteria provided, multiple submitters, no conflicts (2 of 4 stars). 2 submissions from 2 submitters: Uncertain significance (2). Last evaluated 2025-05-26.

Allele frequency attached by ClinVar (database versions not stated): gnomAD exomes 0.00016; ESP Exome Variant Server 0.00015; 1000 Genomes Project 30x 0.00016; 1000 Genomes Project 0.00020; TOPMed 0.00017; gnomAD 0.00019; ExAC 0.00019.
gnomAD v4.1: 266 of 1,611,644 alleles (0.017%); highest among the groups gnomAD compares: Middle Eastern, 0.12%; 2 homozygotes.

Submissions (2):

Labcorp Genetics (formerly Invitae), Labcorp
Classification: Uncertain significance. Last evaluated: 2025-05-26. Review status: criteria provided, single submitter. Criteria: Invitae Variant Classification Sherloc (09022015). Collection method: clinical testing. Allele origin: germline.
Comment: This sequence change replaces valine, which is neutral and non-polar, with alanine, which is neutral and non-polar, at codon 448 of the DLST protein (p.Val448Ala). This variant is present in population databases (rs201182143, gnomAD 0.06%), and has an allele count higher than expected for a pathogenic variant. This variant has not been reported in the literature in individuals affected with DLST-related conditions. ClinVar contains an entry for this variant (Variation ID: 2204102). Invitae Evidence Modeling of protein sequence and biophysical properties (such as structural, functional, and spatial information, amino acid conservation, physicochemical variation, residue mobility, and thermodynamic stability) indicates that this missense variant is not expected to disrupt DLST protein function with a negative predictive value of 80%. In summary, the available evidence is currently insufficient to determine the role of this variant in disease. Therefore, it has been classified as a Variant of Uncertain Significance.

Ambry Genetics
Classification: Uncertain significance. Last evaluated: 2021-07-14. Review status: criteria provided, single submitter. Criteria: Ambry Variant Classification Scheme 2023. Collection method: clinical testing. Allele origin: germline.